The following is an entry in ClinVar:

ClinVar aggregate classification (germline): Conflicting classifications of pathogenicity. Review status: criteria provided, conflicting classifications (1 of 4 stars). 2 submissions from 2 submitters: Uncertain significance (1); Likely benign (1). Last evaluated 2026-05-06.

Conditions:
PKHD1L1-related disorder. Also called: PKHD1L1-related condition.

gnomAD v4.1: 485 of 1,567,008 alleles (0.031%); highest among the groups gnomAD compares: Non-Finnish European, 0.038%; 1 homozygote.

Submissions (2):

PreventionGenetics, part of Exact Sciences
Classification: Likely benign for PKHD1L1-related condition. Last evaluated: 2026-05-06. Review status: criteria provided, single submitter. Criteria: ACMG Guidelines, 2015. Collection method: clinical testing. Allele origin: germline.
Comment: This variant is classified as likely benign based on ACMG/AMP sequence variant interpretation guidelines (Richards et al. 2015 PMID: 25741868, with internal and published modifications).

Labcorp Genetics (formerly Invitae), Labcorp
Classification: Uncertain significance. Last evaluated: 2025-07-26. Review status: criteria provided, single submitter. Criteria: Invitae Variant Classification Sherloc (09022015). Collection method: clinical testing. Allele origin: germline.
Comment: This sequence change falls in intron 39 of the PKHD1L1 gene. It does not directly change the encoded amino acid sequence of the PKHD1L1 protein. It affects a nucleotide within the consensus splice site. This variant is present in population databases (rs370840692, gnomAD 0.04%). This variant has not been reported in the literature in individuals affected with PKHD1L1-related conditions. Variants that disrupt the consensus splice site are a relatively common cause of aberrant splicing (PMID: 17576681, 9536098). Algorithms developed to predict the effect of sequence changes on RNA splicing suggest that this variant may disrupt the consensus splice site. In summary, the available evidence is currently insufficient to determine the role of this variant in disease. Therefore, it has been classified as a Variant of Uncertain Significance.

Literature cited by the submitters: PubMed 17576681 (cited by Labcorp Genetics (formerly Invitae), Labcorp); PubMed 9536098 (cited by Labcorp Genetics (formerly Invitae), Labcorp).

NM_177531.6(PKHD1L1):c.6026-3T>A

Gene: PKHD1L1 (PKHD1 like 1; plus strand). Cytogenetic location: 8q23.1.
Variant type: single nucleotide variant.
Coding change: c.6026-3T>A on transcript NM_177531.6 (MANE Select); 3 bases into the intron before coding-DNA position 6026, T replaced by A.
Molecular consequence: intron variant.
Genome position (GRCh38, 1-based): chr8:109,449,335, T>A. VCF-style: chr8-109449335-T-A. GRCh37 (hg19) VCF-style: chr8-110461564-T-A.
Other names: c.6026-3T>A (NM_177531.4).
Identifiers: ClinVar variation 4810269 (VCV004810269.2).
Genomic context (GRCh38, chr8:109,449,335, plus strand): 5'-ATGTACACAGAAGAAGTTTTATTTTAATTAGCTTTGTTTTTCCTTTTTATTTGTCTTCAC[T>A]AGGGAGCTTTGGTGGGGGTCAAACCATGACTGTGACAGGCACCGGATTTAATCCACAAAA-3'